The following is an entry in ClinVar:

NM_178013.4(PRIMA1):c.383A>G (p.Asn128Ser)

Gene: PRIMA1 (proline rich membrane anchor 1; minus strand). Cytogenetic location: 14q32.12.
Variant type: single nucleotide variant.
Coding change: c.383A>G on transcript NM_178013.4 (MANE Select); coding-DNA position 383, A replaced by G.
Protein change: p.Asn128Ser; replaces asparagine 128 with serine.
Molecular consequence: missense variant.
Genome position (GRCh38, 1-based): chr14:93,721,523, T>C on the plus strand (A>G on the coding strand, the complement: PRIMA1 is on the minus strand). VCF-style: chr14-93721523-T-C. GRCh37 (hg19) VCF-style: chr14-94187869-T-C.
Other names: short protein forms N128S.
Identifiers: ClinVar variation 2128241 (VCV002128241.4), dbSNP rs2076038151, ClinGen allele CA390819288.

ClinVar aggregate classification (germline): Uncertain significance (1 of 4 stars; one submission).

Conditions:
Familial sleep-related hypermotor epilepsy. Also called: Autosomal Dominant Sleep-Related Hypermotor (Hyperkinetic) Epilepsy. Identifiers: Orphanet 98784, MedGen C3696898, MONDO:0000030.

Allele frequency attached by ClinVar (database versions not stated): TOPMed below 0.00001.

Submission:

Labcorp Genetics (formerly Invitae), Labcorp
Classification: Uncertain significance for Familial sleep-related hypermotor epilepsy. Last evaluated: 2024-09-05. Review status: criteria provided, single submitter. Criteria: Invitae Variant Classification Sherloc (09022015). Collection method: clinical testing. Allele origin: germline.
Comment: This sequence change replaces asparagine, which is neutral and polar, with serine, which is neutral and polar, at codon 128 of the PRIMA1 protein (p.Asn128Ser). This variant is not present in population databases (gnomAD no frequency). This variant has not been reported in the literature in individuals affected with PRIMA1-related conditions. ClinVar contains an entry for this variant (Variation ID: 2128241). An algorithm developed to predict the effect of missense changes on protein structure and function (PolyPhen-2) suggests that this variant is likely to be disruptive. In summary, the available evidence is currently insufficient to determine the role of this variant in disease. Therefore, it has been classified as a Variant of Uncertain Significance.